The following is an entry in ClinVar:

NM_017415.3(KLHL3):c.1764A>G (p.Ter588Trp)

Gene: KLHL3 (kelch like family member 3; minus strand). Cytogenetic location: 5q31.2.
Variant type: single nucleotide variant.
Coding change: c.1764A>G on transcript NM_017415.3 (MANE Select); coding-DNA position 1764, A replaced by G.
Protein change: p.Ter588Trp.
Molecular consequence: stop lost.
Genome position (GRCh38, 1-based): chr5:137,622,098, T>C on the plus strand (A>G on the coding strand, the complement: KLHL3 is on the minus strand). VCF-style: chr5-137622098-T-C. GRCh37 (hg19) VCF-style: chr5-136957787-T-C.
Other names: c.1668A>G, p.Ter556Trp (NM_001257194.1); c.1518A>G, p.Ter506Trp (NM_001257195.2).
Identifiers: ClinVar variation 4712661 (VCV004712661.1).

ClinVar aggregate classification (germline): Uncertain significance (1 of 4 stars; one submission).

Submission:

Labcorp Genetics (formerly Invitae), Labcorp
Classification: Uncertain significance. Last evaluated: 2025-02-16. Review status: criteria provided, single submitter. Criteria: Invitae Variant Classification Sherloc (09022015). Collection method: clinical testing. Allele origin: germline.
Comment: This sequence change disrupts the translational stop signal of the KLHL3 mRNA. It is expected to extend the length of the KLHL3 protein by 17 additional amino acid residues. This variant is not present in population databases (gnomAD no frequency). This variant has not been reported in the literature in individuals affected with KLHL3-related conditions. Experimental studies and prediction algorithms are not available or were not evaluated, and the functional significance of this variant is currently unknown. In summary, the available evidence is currently insufficient to determine the role of this variant in disease. Therefore, it has been classified as a Variant of Uncertain Significance.